The following is an entry in ClinVar:

NM_001195518.2(MICU1):c.933+2T>C

Gene: MICU1 (mitochondrial calcium uptake 1; minus strand). Cytogenetic location: 10q22.1.
Variant type: single nucleotide variant.
Coding change: c.933+2T>C on transcript NM_001195518.2 (MANE Select); the canonical splice donor site of the intron after coding-DNA position 933, T replaced by C.
Molecular consequence: splice donor variant.
Genome position (GRCh38, 1-based): chr10:72,475,098, A>G on the plus strand (T>C on the coding strand, the complement: MICU1 is on the minus strand). VCF-style: chr10-72475098-A-G. GRCh37 (hg19) VCF-style: chr10-74234856-A-G.
Other names: c.939+2T>C (NM_006077.4); c.951+2T>C (NM_001363513.2); c.339+2T>C (NM_001195519.2).
Identifiers: ClinVar variation 2029160 (VCV002029160.5), dbSNP rs1866073268, ClinGen allele CA377392576.

ClinVar aggregate classification (germline): Likely pathogenic. Review status: criteria provided, multiple submitters, no conflicts (2 of 4 stars). 2 submissions from 2 submitters: Likely pathogenic (2). Last evaluated 2022-09-06.

Conditions:
MICU1-related disorder. Also called: MICU1-related condition.

Allele frequency attached by ClinVar (database versions not stated): gnomAD exomes below 0.00001.
gnomAD v4.1: 2 of 1,606,420 alleles (0.00012%); highest among the groups gnomAD compares: Non-Finnish European, 0.000085%; no homozygotes.

Submissions (2):

Labcorp Genetics (formerly Invitae), Labcorp
Classification: Likely pathogenic. Last evaluated: 2022-09-06. Review status: criteria provided, single submitter. Criteria: Invitae Variant Classification Sherloc (09022015). Collection method: clinical testing. Allele origin: germline.
Comment: This sequence change affects a donor splice site in intron 9 of the MICU1 gene. It is expected to disrupt RNA splicing. Variants that disrupt the donor or acceptor splice site typically lead to a loss of protein function (PMID: 16199547), and loss-of-function variants in MICU1 are known to be pathogenic (PMID: 24336167). This variant is not present in population databases (gnomAD no frequency). This variant has not been reported in the literature in individuals affected with MICU1-related conditions. Algorithms developed to predict the effect of sequence changes on RNA splicing suggest that this variant may disrupt the consensus splice site. In summary, the currently available evidence indicates that the variant is pathogenic, but additional data are needed to prove that conclusively. Therefore, this variant has been classified as Likely Pathogenic.

Blueprint Genetics
Classification: Likely pathogenic for MICU1-related disorders. Last evaluated: 2020-03-06. Review status: criteria provided, single submitter. Criteria: ACMG Guidelines, 2015. Collection method: clinical testing. Allele origin: germline. Affected: yes. Observed: 1 variant allele.

Literature cited by the submitters: PubMed 16199547 (cited by Labcorp Genetics (formerly Invitae), Labcorp); PubMed 24336167 (cited by Labcorp Genetics (formerly Invitae), Labcorp).